The following is an entry in ClinVar:

NM_001369369.1(FOXN1):c.1367T>A (p.Leu456Ter)

Gene: FOXN1 (forkhead box N1; plus strand). Cytogenetic location: 17q11.2.
Variant type: single nucleotide variant.
Coding change: c.1367T>A on transcript NM_001369369.1 (MANE Select); coding-DNA position 1367, T replaced by A.
Protein change: p.Leu456Ter; replaces leucine 456 with a stop codon.
Molecular consequence: nonsense.
Genome position (GRCh38, 1-based): chr17:28,534,938, T>A. VCF-style: chr17-28534938-T-A. GRCh37 (hg19) VCF-style: chr17-26861956-T-A.
Other names: NM_001369369.1(FOXN1):c.1367T>A; p.Leu456Ter; c.1367T>A, p.Leu456Ter (NM_003593.3); short protein forms L456*.
Identifiers: ClinVar variation 2108802 (VCV002108802.7), dbSNP rs2508429713, ClinGen allele CA398326165.

ClinVar aggregate classification (germline): Likely pathogenic. Review status: reviewed by expert panel (3 of 4 stars). 3 submissions from 3 submitters: Likely pathogenic (1). 2 of the submissions do not count toward it. Last evaluated 2024-07-29.

Conditions:
T-cell immunodeficiency, congenital alopecia, and nail dystrophy. Also called: Congenital alopecia and nail dystrophy associated with severe functional T-cell immunodeficiency; Pignata Guarino syndrome. Identifiers: Orphanet 169095, MedGen C1866426, MONDO:0011132, OMIM 601705.
T-cell lymphopenia, infantile, with or without nail dystrophy, autosomal dominant. Identifiers: Orphanet 676039, MedGen C5394133, MONDO:0032928, OMIM 618806.

Submissions (3):

ClinGen Severe Combined Immunodeficiency Variant Curation Expert Panel, ClinGen
Classification: Likely pathogenic for T-cell immunodeficiency, congenital alopecia, and nail dystrophy. Last evaluated: 2024-07-29. Review status: reviewed by expert panel. Criteria: ClinGen SCID ACMG Specifications FOXN1 V2.0.0. Collection method: curation. Allele origin: germline. Inheritance: Semidominant inheritance.
Comment: NM_001369369.1(FOXN1):c.1367T>A (p.Leu456Ter) is a nonsense variant in exon 8, of 9, which is predicted to undergo NMD (PVS1). This variant is absent from gnomADv2.1.1 (PM2_supporting). There are two entries for this variant in ClinVar (SCV003327540.1 and SCV003807599.1) but it has not been reported in the literature in individuals with FOXN1-related disease. Two pathogenic variants p.Gln474Ter and p.Ser459Ter curated by the SCID VCEP causes premature termination codons in the same exon and downstream to the variant under assessment. In summary this variant meets criteria to be classified as likely pathogenic for semidominant T-cell immunodeficiency, congenital alopecia, and nail dystrophy due to FOXN1 deficiency based on the ACMG/AMP criteria applied: PVS1, PM5, and PM2_Supporting as specified by the ClinGen SCID VCEP FOXN1 subgroup.

Laboratorio de Genetica e Diagnostico Molecular, Hospital Israelita Albert Einstein
Classification: Likely pathogenic for T-cell lymphopenia, infantile, with or without nail dystrophy, autosomal dominant. Last evaluated: 2022-11-18. Review status: criteria provided, single submitter. Criteria: ACMG Guidelines, 2015. Collection method: clinical testing. Allele origin: germline. Affected: yes. Observed: 1 variant allele. Not counted in ClinVar's aggregate classification.
Comment: ACMG classification criteria: PVS1 very strong, PM2 moderated

Labcorp Genetics (formerly Invitae), Labcorp
Classification: Pathogenic for T-cell immunodeficiency, congenital alopecia, and nail dystrophy. Last evaluated: 2022-03-11. Review status: criteria provided, single submitter. Criteria: Invitae Variant Classification Sherloc (09022015). Collection method: clinical testing. Allele origin: germline. Not counted in ClinVar's aggregate classification.
Comment: For these reasons, this variant has been classified as Pathogenic. Algorithms developed to predict the effect of sequence changes on RNA splicing suggest that this variant may disrupt the consensus splice site. This variant has not been reported in the literature in individuals affected with FOXN1-related conditions. This variant is not present in population databases (gnomAD no frequency). This sequence change creates a premature translational stop signal (p.Leu456*) in the FOXN1 gene. It is expected to result in an absent or disrupted protein product. Loss-of-function variants in FOXN1 are known to be pathogenic (PMID: 10206641, 15180707, 31447097).

Literature cited by the submitters: PubMed 10206641 (cited by Labcorp Genetics (formerly Invitae), Labcorp); PubMed 15180707 (cited by Labcorp Genetics (formerly Invitae), Labcorp); PubMed 31447097 (cited by Labcorp Genetics (formerly Invitae), Labcorp).